The following is an entry in ClinVar:

ClinVar aggregate classification (germline): Conflicting classifications of pathogenicity. Review status: criteria provided, conflicting classifications (1 of 4 stars). 7 submissions from 7 submitters: Uncertain significance (5); Likely benign (2). Last evaluated 2026-01-19.

Conditions:
Mucopolysaccharidosis, MPS-IV-A (MPS4A). Also called: mucopolysaccharidosis type 4A; Morquio syndrome A, mild; GALACTOSAMINE-6-SULFATASE DEFICIENCY; GALNS DEFICIENCY; MORQUIO A DISEASE; Mucopolysaccharidosis Type IVA. Identifiers: Orphanet 309297, Orphanet 582, MedGen C0086651, MONDO:0009659, OMIM 253000.
GALNS-related disorder. Also called: GALNS-related condition.

Allele frequency attached by ClinVar (database versions not stated): gnomAD exomes 0.00007 and 0.00026; ESP Exome Variant Server 0.00008; gnomAD 0.00009 and 0.00012; TOPMed 0.00021; ExAC 0.00048; 1000 Genomes Project 0.00120; 1000 Genomes Project 30x 0.00125.
gnomAD v4.1: 115 of 1,608,072 alleles (0.0072%); highest among the groups gnomAD compares: East Asian, 0.15%; no homozygotes.

Submissions (7):

Labcorp Genetics (formerly Invitae), Labcorp
Classification: Likely benign for Mucopolysaccharidosis, MPS-IV-A. Last evaluated: 2026-01-19. Review status: criteria provided, single submitter. Criteria: Invitae Variant Classification Sherloc (09022015). Collection method: clinical testing. Allele origin: germline.

GeneDx
Classification: Uncertain significance. Last evaluated: 2025-05-06. Review status: criteria provided, single submitter. Criteria: GeneDx Variant Classification Process June 2021. Collection method: clinical testing. Allele origin: germline. Affected: yes.
Comment: Observed as homozygous or with a second variant in GALNS in unrelated patients with low GALNS on newborn screening; follow-up urine keratan sulfate was normal in one individual and slightly elevated in another (PMID: 32014045); In silico analysis supports that this missense variant has a deleterious effect on protein structure/function; This variant is associated with the following publications: (PMID: 34867278, 35212421, 32014045)

PreventionGenetics, part of Exact Sciences
Classification: Uncertain significance for GALNS-related condition. Last evaluated: 2024-12-10. Review status: criteria provided, single submitter. Criteria: ACMG Guidelines, 2015. Collection method: clinical testing. Allele origin: germline.
Comment: The GALNS c.857C>T variant is predicted to result in the amino acid substitution p.Thr286Met. This variant has been reported in multiple individuals with positive newborn screening in Taiwaneese population (in about 29% of cases) (Chien et al. 2020. PubMed ID: 32014045; Table 2, Lin et al. 2024. PubMed ID: 39375993) and due to its high frequency it was suggested as possible pseudodeficiency variant (Zanetti et al. 2021. PubMed ID: 34387910). This variant was also observed in affected as well as in controls in Parkinson disease study (Table S3, Zhao et al. 2021. PubMed ID: 34867278). This variant was reported in 3 patients with mucopolysaccharidosis IV, in one case together with 2nd GALNS variant, however in two cases together with two additional GALNS variants (Table S1, Yi et al. 2022. PubMed ID: 35212421).This variant has been also reported together with second GALNS variant in individuals with confirmed or highly suspected Mucopolysaccharidosis IV (Table 3 & 4, Lin et al. 2024. PubMed ID: 39375993). This variant is reported in 0.29% of alleles in individuals of East Asian descent in gnomAD. At this time, the clinical significance of this variant is uncertain due to the absence of conclusive functional and genetic evidence.

Genome-Nilou Lab
Classification: Likely benign for Mucopolysaccharidosis, MPS-IV-A. Last evaluated: 2021-11-07. Review status: criteria provided, single submitter. Criteria: ACMG Guidelines, 2015. Collection method: clinical testing. Allele origin: germline. Affected: no.

Laboratory of Diagnosis and Therapy of Lysosomal Disorders, University of Padova
Classification: Uncertain significance for Mucopolysaccharidosis, MPS-IV-A. Last evaluated: 2021-02-01. Review status: criteria provided, single submitter. Criteria: ACMG Guidelines, 2015. Collection method: research. Allele origin: germline.
Comment: Multiple lines of computational evidence support a deleterious effect on the gene (PP3_supporting)

Women's Health and Genetics/Laboratory Corporation of America, LabCorp
Classification: Uncertain significance. Last evaluated: 2017-10-23. Review status: criteria provided, single submitter. Criteria: LabCorp Variant Classification Summary - May 2015. Collection method: clinical testing. Allele origin: germline.
Comment: Variant summary: The GALNS c.857C>T (p.Thr286Met) variant involves the alteration of a conserved nucleotide. 4/4 in silico tools predict a damaging outcome for this variant (SNPsandGO not captured due to low reliability index). This variant was found in 64/266890 control chromosomes, predominantly observed in the East Asian subpopulation at a frequency of 0.002863 (53/18510). This frequency is about 1 times the estimated maximal expected allele frequency of a pathogenic GALNS variant (0.0020412), suggesting this is likely a benign polymorphism found primarily in the populations of East Asian origin, however no homozygous individuals were reported in this database. The variant of interest has not, to our knowledge, been reported in affected individuals via publications and/or reputable databases/clinical diagnostic laboratories; nor evaluated for functional impact by in vivo/vitro studies. Because of the absence of clinical information and the lack of functional studies, the variant is classified as a variant of uncertain significance (VUS) until additional information becomes available.

Juno Genomics, Hangzhou Juno Genomics, Inc
Classification: Uncertain significance for Mucopolysaccharidosis, MPS-IV-A. Review status: criteria provided, single submitter. Criteria: ACMG Guidelines, 2015. Collection method: clinical testing. Allele origin: germline.
Comment: Multiple lines of computational evidence support a deleterious effect on the gene or gene product.;For recessive disorders, detected in trans with a pathogenic variant.

Literature cited by the submitters: PubMed 32014045 (cited by Laboratory of Diagnosis and Therapy of Lysosomal Disorders, University of Padova); PubMed 34387910 (cited by Laboratory of Diagnosis and Therapy of Lysosomal Disorders, University of Padova); PubMed 25137622 (cited by Women's Health and Genetics/Laboratory Corporation of America, LabCorp).

NM_000512.5(GALNS):c.857C>T (p.Thr286Met)

Gene: GALNS (galactosamine (N-acetyl)-6-sulfatase; minus strand). Cytogenetic location: 16q24.3.
Variant type: single nucleotide variant.
Coding change: c.857C>T on transcript NM_000512.5 (MANE Select); coding-DNA position 857, C replaced by T.
Protein change: p.Thr286Met; replaces threonine 286 with methionine.
Molecular consequence: missense variant.
Genome position (GRCh38, 1-based): chr16:88,835,254, G>A on the plus strand (C>T on the coding strand, the complement: GALNS is on the minus strand). VCF-style: chr16-88835254-G-A. GRCh37 (hg19) VCF-style: chr16-88901662-G-A.
Other names: c.302C>T, p.Thr101Met (NM_001323543.2); c.875C>T, p.Thr292Met (NM_001323544.2); short protein forms T286M, T101M, T292M.
Identifiers: ClinVar variation 633230 (VCV000633230.22), dbSNP rs137927658, ClinGen allele CA8234957.